The following is an entry in ClinVar:

ClinVar aggregate classification (germline): Uncertain significance (1 of 4 stars; one submission).

Submission:

Labcorp Genetics (formerly Invitae), Labcorp
Classification: Uncertain significance. Last evaluated: 2023-09-15. Review status: criteria provided, single submitter. Criteria: Invitae Variant Classification Sherloc (09022015). Collection method: clinical testing. Allele origin: germline.
Comment: In summary, the available evidence is currently insufficient to determine the role of this variant in disease. Therefore, it has been classified as a Variant of Uncertain Significance. Algorithms developed to predict the effect of missense changes on protein structure and function output the following: SIFT: "Not Available"; PolyPhen-2: "Benign"; Align-GVGD: "Not Available". The arginine amino acid residue is found in multiple mammalian species, which suggests that this missense change does not adversely affect protein function. This variant has not been reported in the literature in individuals affected with REST-related conditions. This sequence change replaces histidine, which is basic and polar, with arginine, which is basic and polar, at codon 531 of the REST protein (p.His531Arg). This variant is not present in population databases (gnomAD no frequency).

NM_005612.5(REST):c.1592A>G (p.His531Arg)

Gene: REST (RE1 silencing transcription factor; plus strand). Cytogenetic location: 4q12.
Variant type: single nucleotide variant.
Coding change: c.1592A>G on transcript NM_005612.5 (MANE Select); coding-DNA position 1592, A replaced by G.
Protein change: p.His531Arg; replaces histidine 531 with arginine.
Molecular consequence: missense variant.
Genome position (GRCh38, 1-based): chr4:56,930,450, A>G. VCF-style: chr4-56930450-A-G. GRCh37 (hg19) VCF-style: chr4-57796616-A-G.
Other names: c.1592A>G, p.His531Arg (NM_001193508.2, NM_001363453.3); short protein forms H531R.
Identifiers: ClinVar variation 2998835 (VCV002998835.3), dbSNP rs1560451695, ClinGen allele CA357006972.
Genomic context (GRCh38, chr4:56,930,450, plus strand): 5'-AAAAATTCAGTAAAACTAAGAAAAGCAAAAGGAAGCTGGAAGTTGACAGCCATTCTTTAC[A>G]TGGTCCTGTGAATGATGAGGAATCTTCAACAAAAAAGAAAAAGAAGGTAGAAAGCAAATC-3'
Protein context (NP_005603.3, residues 521-541): RKLEVDSHSL[His531Arg]GPVNDEESST